The following is an entry in ClinVar:

ClinVar aggregate classification (germline): Uncertain significance. Review status: criteria provided, multiple submitters, no conflicts (2 of 4 stars). 4 submissions from 4 submitters: Uncertain significance (4). Last evaluated 2026-03-27.

Conditions:
Cardiovascular phenotype. Identifiers: MedGen CN230736.
Myofibrillar myopathy 6. Identifiers: Orphanet 199340, MedGen C2751831, MONDO:0013061, OMIM 612954.
Dilated cardiomyopathy 1HH (CMD1HH). Identifiers: Orphanet 154, MedGen C3151293, MONDO:0013479, OMIM 613881.

Allele frequency attached by ClinVar (database versions not stated): gnomAD exomes below 0.00001.
gnomAD v4.1: 6 of 1,588,652 alleles (0.00038%); highest among the groups gnomAD compares: Non-Finnish European, 0.00043%; no homozygotes.

Submissions (4):

Molecular Diagnostic Laboratory for Inherited Cardiovascular Disease, Montreal Heart Institute
Classification: Uncertain significance for Cardiovascular phenotype. Last evaluated: 2026-03-27. Review status: criteria provided, single submitter. Criteria: ACMG Guidelines, 2015. Collection method: clinical testing. Allele origin: germline. Affected: yes.
Comment: PM2, PP3

Labcorp Genetics (formerly Invitae), Labcorp
Classification: Uncertain significance for Dilated cardiomyopathy 1HH; Myofibrillar myopathy 6. Last evaluated: 2025-11-05. Review status: criteria provided, single submitter. Criteria: Invitae Variant Classification Sherloc (09022015). Collection method: clinical testing. Allele origin: germline.
Comment: This sequence change replaces proline, which is neutral and non-polar, with arginine, which is basic and polar, at codon 52 of the BAG3 protein (p.Pro52Arg). This variant is not present in population databases (gnomAD no frequency). This variant has not been reported in the literature in individuals affected with BAG3-related conditions. ClinVar contains an entry for this variant (Variation ID: 1433580). An algorithm developed to predict the effect of missense changes on protein structure and function (PolyPhen-2) suggests that this variant is likely to be disruptive. In summary, the available evidence is currently insufficient to determine the role of this variant in disease. Therefore, it has been classified as a Variant of Uncertain Significance.

Ambry Genetics
Classification: Uncertain significance for Cardiovascular phenotype. Last evaluated: 2025-10-26. Review status: criteria provided, single submitter. Criteria: Ambry Variant Classification Scheme 2023. Collection method: clinical testing. Allele origin: germline.
Comment: The p.P52R variant (also known as c.155C>G), located in coding exon 1 of the BAG3 gene, results from a C to G substitution at nucleotide position 155. The proline at codon 52 is replaced by arginine, an amino acid with dissimilar properties. This alteration has been reported in a family with LV dilation and co-occurred with a nonsense alteration in BAG3 in some family members (Jord&agrave; P et al. Circ Heart Fail, 2022 Mar;15:e008443). This amino acid position is highly conserved in available vertebrate species. In addition, this alteration is predicted to be deleterious by in silico analysis. Since supporting evidence is limited at this time, the clinical significance of this alteration remains unclear.

Fulgent Genetics
Classification: Uncertain significance for Myofibrillar myopathy 6; Dilated cardiomyopathy 1HH. Last evaluated: 2021-11-11. Review status: criteria provided, single submitter. Criteria: ACMG Guidelines, 2015. Collection method: clinical testing. Allele origin: unknown.

Literature cited by the submitters: PubMed 35290091 (cited by Ambry Genetics).

NM_004281.4(BAG3):c.155C>G (p.Pro52Arg)

Gene: BAG3 (BAG cochaperone 3; plus strand). Cytogenetic location: 10q26.11.
Variant type: single nucleotide variant.
Coding change: c.155C>G on transcript NM_004281.4 (MANE Select); coding-DNA position 155, C replaced by G.
Protein change: p.Pro52Arg; replaces proline 52 with arginine.
Molecular consequence: missense variant.
Genome position (GRCh38, 1-based): chr10:119,651,830, C>G. VCF-style: chr10-119651830-C-G. GRCh37 (hg19) VCF-style: chr10-121411342-C-G.
Other names: short protein forms P52R.
Identifiers: ClinVar variation 1433580 (VCV001433580.13), dbSNP rs1846845477, ClinGen allele CA378294297.